The following is an entry in ClinVar:

ClinVar aggregate classification (germline): Uncertain significance. Review status: criteria provided, multiple submitters, no conflicts (2 of 4 stars). 2 submissions from 2 submitters: Uncertain significance (2). Last evaluated 2026-03-10.

Conditions:
Cardiovascular phenotype. Identifiers: MedGen CN230736.

Allele frequency attached by ClinVar (database versions not stated): ExAC 0.00001.
gnomAD v4.1: 2 of 1,614,122 alleles (0.00012%); no homozygotes.

Submissions (2):

GeneDx
Classification: Uncertain significance. Last evaluated: 2026-03-10. Review status: criteria provided, single submitter. Criteria: GeneDx Variant Classification Process June 2021. Collection method: clinical testing. Allele origin: germline.
Comment: Not observed at significant frequency in large population cohorts (gnomAD); In silico analysis suggests that this missense variant does not alter protein structure/function; Has not been previously published as pathogenic or benign to our knowledge

Ambry Genetics
Classification: Uncertain significance for Cardiovascular phenotype. Last evaluated: 2025-02-20. Review status: criteria provided, single submitter. Criteria: Ambry Variant Classification Scheme 2023. Collection method: clinical testing. Allele origin: germline.

NM_001148.6(ANK2):c.5729C>T (p.Thr1910Ile)

Genes: ANK2 (ankyrin 2; plus strand), LOC126807136 (MED14-independent group 3 enhancer GRCh37_chr4:114274931-114276130; plus strand). Cytogenetic location: 4q26.
Variant type: single nucleotide variant.
Coding change: c.5729C>T on transcript NM_001148.6 (MANE Select); coding-DNA position 5729, C replaced by T.
Protein change: p.Thr1910Ile; replaces threonine 1910 with isoleucine.
Molecular consequence: missense variant. On other transcripts: intron variant (68).
Genome position (GRCh38, 1-based): chr4:113,354,347, C>T. VCF-style: chr4-113354347-C-T. GRCh37 (hg19) VCF-style: chr4-114275503-C-T.
Other names: c.5495C>T, p.Thr1832Ile (NM_001386142.1); c.2129C>T, p.Thr710Ile (NM_001386166.1); c.5870C>T, p.Thr1957Ile (NM_001386174.1); c.5846C>T, p.Thr1949Ile (NM_001386175.1); c.4411+4098C>T (NM_001386186.2, NM_001386148.2); c.4213+4098C>T (NM_001354269.3); c.4291+4098C>T (NM_001386187.2); c.4252+4098C>T (NM_001386147.1); and 35 more; short protein forms T1832I, T1910I, T1949I, T1957I, T710I.
Identifiers: ClinVar variation 3220986 (VCV003220986.3), dbSNP rs746394404, ClinGen allele CA3051278.
Genomic context (GRCh38, chr4:113,354,347, plus strand): 5'-ACTCTCCTGTGTCATCTACAAAAACAGAAAGACACCCACCTGTTTCGCCTTCAGGCAAAA[C>T]AGACAAACGTCCACCTGTATCGCCCTCCGGGAGGACAGAAAAACACCCGCCAGTATCGCC-3'
Protein context (NP_001139.3, residues 1900-1920): RHPPVSPSGK[Thr1910Ile]DKRPPVSPSG